The following is an entry in ClinVar:

ClinVar aggregate classification (germline): Uncertain significance (1 of 4 stars; one submission).

Allele frequency attached by ClinVar (database versions not stated): gnomAD exomes below 0.00001.
gnomAD v4.1: 2 of 1,613,494 alleles (0.00012%); highest among the groups gnomAD compares: Admixed American, 0.0017%; no homozygotes.

Submission:

Labcorp Genetics (formerly Invitae), Labcorp
Classification: Uncertain significance. Last evaluated: 2021-10-14. Review status: criteria provided, single submitter. Criteria: Invitae Variant Classification Sherloc (09022015). Collection method: clinical testing. Allele origin: germline.
Comment: This sequence change replaces isoleucine with valine at codon 245 of the RBP3 protein (p.Ile245Val). The isoleucine residue is highly conserved and there is a small physicochemical difference between isoleucine and valine. This variant is not present in population databases (ExAC no frequency). This variant has not been reported in the literature in individuals affected with RBP3-related conditions. In summary, the available evidence is currently insufficient to determine the role of this variant in disease. Therefore, it has been classified as a Variant of Uncertain Significance. Algorithms developed to predict the effect of missense changes on protein structure and function are either unavailable or do not agree on the potential impact of this missense change (SIFT: "Tolerated"; PolyPhen-2: "Possibly Damaging"; Align-GVGD: "Class C0").

NM_002900.3(RBP3):c.733A>G (p.Ile245Val)

Gene: RBP3 (retinol binding protein 3; plus strand). Cytogenetic location: 10q11.22.
Variant type: single nucleotide variant.
Coding change: c.733A>G on transcript NM_002900.3 (MANE Select); coding-DNA position 733, A replaced by G.
Protein change: p.Ile245Val; replaces isoleucine 245 with valine.
Molecular consequence: missense variant.
Genome position (GRCh38, 1-based): chr10:47,349,217, A>G. VCF-style: chr10-47349217-A-G. GRCh37 (hg19) VCF-style: chr10-48390145-T-C.
Other names: short protein forms I245V.
Identifiers: ClinVar variation 1357691 (VCV001357691.6), dbSNP rs1555211020, ClinGen allele CA376666263.